The following is an entry in ClinVar:

NM_006096.4(NDRG1):c.397A>G (p.Ser133Gly)

Gene: NDRG1 (N-myc downstream regulated 1; minus strand). Cytogenetic location: 8q24.22.
Variant type: single nucleotide variant.
Coding change: c.397A>G on transcript NM_006096.4 (MANE Select); coding-DNA position 397, A replaced by G.
Protein change: p.Ser133Gly; replaces serine 133 with glycine.
Molecular consequence: missense variant.
Genome position (GRCh38, 1-based): chr8:133,258,419, T>C on the plus strand (A>G on the coding strand, the complement: NDRG1 is on the minus strand). VCF-style: chr8-133258419-T-C. GRCh37 (hg19) VCF-style: chr8-134270662-T-C.
Other names: c.397A>G, p.Ser133Gly (NM_001135242.2, NM_001374844.1, NM_001374845.1 and 1 more transcripts); c.199A>G, p.Ser67Gly (NM_001258432.2, NM_001374847.1); c.154A>G, p.Ser52Gly (NM_001258433.2); short protein forms S133G, S52G, S67G.
Identifiers: ClinVar variation 1711681 (VCV001711681.30), dbSNP rs898210099, ClinGen allele CA186379895.

ClinVar aggregate classification (germline): Uncertain significance (1 of 4 stars; one submission).

Submission:

CeGaT Center for Human Genetics Tuebingen
Classification: Uncertain significance. Last evaluated: 2022-08-01. Review status: criteria provided, single submitter. Criteria: CeGaT Center For Human Genetics Tuebingen Variant Classification Criteria Version 2. Collection method: clinical testing. Allele origin: germline. Affected: yes. Observed: 1 variant allele.
Comment: NDRG1: PM2, BP1